The following is an entry in ClinVar:

NC_000016.9:g.(?_23584033)_(23647150_?)del

Genes: NDUFAB1 (NADH:ubiquinone oxidoreductase subunit AB1; minus strand), UBFD1 (ubiquitin family domain containing 1; plus strand), PALB2 (partner and localizer of BRCA2; minus strand). Cytogenetic location: 16p12.2.
Variant type: Deletion.
Identifiers: ClinVar variation 2426865 (VCV002426865.4).

ClinVar aggregate classification (germline): Pathogenic (1 of 4 stars; one submission).

Conditions:
Familial cancer of breast. Also called: Hereditary breast cancer; BREAST CANCER, FAMILIAL; hereditary breast carcinoma. Identifiers: Orphanet 227535, MedGen C0346153, MONDO:0016419, OMIM 114480. Disease mechanism: loss of function.

Submission:

Labcorp Genetics (formerly Invitae), Labcorp
Classification: Pathogenic for Familial cancer of breast. Last evaluated: 2022-12-24. Review status: criteria provided, single submitter. Criteria: Invitae Variant Classification Sherloc (09022015). Collection method: clinical testing. Allele origin: germline.
Comment: For these reasons, this variant has been classified as Pathogenic. This variant disrupts a region of the PALB2 protein in which other variant(s) (p.Tyr1183*) have been determined to be pathogenic (PMID: 17200668, 17200671, 19609323). This suggests that this is a clinically significant region of the protein, and that variants that disrupt it are likely to be disease-causing. This variant has not been reported in the literature in individuals affected with PALB2-related conditions. This variant results in the deletion of the genomic region encompassing exons 5-13 and part of exon 4 (c.717_*30747delinsG) of the PALB2 gene. While this deletion is not anticipated to lead to nonsense mediated decay, it is expected to alter mRNA translation or result in a truncated protein product.

Literature cited by the submitters: PubMed 17200668; PubMed 17200671; PubMed 19609323.